The following is an entry in ClinVar:

ClinVar aggregate classification (germline): Uncertain significance. Review status: criteria provided, multiple submitters, no conflicts (2 of 4 stars). 2 submissions from 2 submitters: Uncertain significance (2). Last evaluated 2025-10-07.

Allele frequency attached by ClinVar (database versions not stated): gnomAD 0.00003; gnomAD exomes 0.00001; TOPMed 0.00003; ExAC 0.00003.
gnomAD v4.1: 24 of 1,613,668 alleles (0.0015%); highest among the groups gnomAD compares: Admixed American, 0.023%; no homozygotes.

Submissions (2):

Ambry Genetics
Classification: Uncertain significance. Last evaluated: 2025-10-07. Review status: criteria provided, single submitter. Criteria: Ambry Variant Classification Scheme 2023. Collection method: clinical testing. Allele origin: germline.

Women's Health and Genetics/Laboratory Corporation of America, LabCorp
Classification: Uncertain significance. Last evaluated: 2023-12-07. Review status: criteria provided, single submitter. Criteria: LabCorp Variant Classification Summary - May 2015. Collection method: clinical testing. Allele origin: germline.
Comment: Variant summary: FDFT1 c.452G>A (p.Gly151Asp) results in a non-conservative amino acid change located in the Trans-isoprenyl diphosphate synthases, head-to-head domain (IPR033904) of the encoded protein sequence. Five of five in-silico tools predict a damaging effect of the variant on protein function. The variant allele was found at a frequency of 4e-05 in 251460 control chromosomes. This frequency does not allow for any conclusion about variant significance. To our knowledge, no occurrence of c.452G>A in individuals affected with Squalene Synthase Deficiency and no experimental evidence demonstrating its impact on protein function have been reported. No submitters have cited clinical-significance assessments for this variant to ClinVar after 2014. Based on the evidence outlined above, the variant was classified as uncertain significance.

NM_004462.5(FDFT1):c.452G>A (p.Gly151Asp)

Gene: FDFT1 (farnesyl-diphosphate farnesyltransferase 1). Cytogenetic location: 8p23.1.
Variant type: single nucleotide variant.
Coding change: c.452G>A on transcript NM_004462.5 (MANE Select); coding-DNA position 452, G replaced by A.
Protein change: p.Gly151Asp; replaces glycine 151 with aspartic acid.
Molecular consequence: missense variant. On other transcripts: intron variant (1).
Genome position (GRCh38, 1-based): chr8:11,821,820, G>A. VCF-style: chr8-11821820-G-A. GRCh37 (hg19) VCF-style: chr8-11679329-G-A.
Other names: c.260G>A, p.Gly87Asp (NM_001287744.2, NM_001287745.2, NM_001287747.2 and 2 more transcripts); c.629G>A, p.Gly210Asp (NM_001287750.2); c.197G>A, p.Gly66Asp (NM_001287751.2); c.65-4259G>A (NM_001287756.2); c.452G>A (NM_004462.3); c.452G>A, p.Gly151Asp (NM_001287742.2, NM_001287743.2); short protein forms G151D, G210D, G66D, G87D.
Identifiers: ClinVar variation 2691504 (VCV002691504.2), dbSNP rs765240165, ClinGen allele CA4631805.